The following is an entry in ClinVar:

ClinVar aggregate classification (germline): Likely benign (1 of 4 stars; one submission).

Conditions:
Familial adenomatous polyposis 1 (FAP1). Also called: POLYPOSIS, ADENOMATOUS INTESTINAL; FAMILIAL ADENOMATOUS POLYPOSIS 1, ATTENUATED. Identifiers: MedGen C2713442, MONDO:0021056, OMIM 175100. Disease mechanism: loss of function.

Submission:

Myriad Genetics, Inc.
Classification: Likely benign for Familial adenomatous polyposis 1. Last evaluated: 2024-02-23. Review status: criteria provided, single submitter. Criteria: Myriad Autosomal Dominant, Autosomal Recessive and X-Linked Classification Criteria (2023). Collection method: clinical testing. Allele origin: unknown.
Comment: This variant is considered likely benign. This variant is intronic and is not expected to impact mRNA splicing.

NM_000038.6(APC):c.422+5C>G

Gene: APC (APC regulator of Wnt signaling pathway; plus strand). Cytogenetic location: 5q22.2.
Variant type: single nucleotide variant.
Coding change: c.422+5C>G on transcript NM_000038.6 (MANE Select); 5 bases into the intron after coding-DNA position 422, C replaced by G.
Molecular consequence: intron variant.
Genome position (GRCh38, 1-based): chr5:112,767,395, C>G. VCF-style: chr5-112767395-C-G. GRCh37 (hg19) VCF-style: chr5-112103092-C-G.
Other names: c.-614+5C>G (NM_001407470.1, NM_001407472.1, NM_001354906.2 and 1 more transcripts); c.422+5C>G (NM_001407447.1, NM_001354895.2, NM_001407456.1 and 16 more transcripts); c.452+5C>G (NM_001407446.1, NM_001354897.2, NM_001354902.2 and 1 more transcripts); c.245+5C>G (NM_001407453.1, NM_001354900.2, NM_001354901.2 and 1 more transcripts); c.347+5C>G (NM_001407451.1, NM_001354898.2, NM_001354904.2).
Identifiers: ClinVar variation 3148591 (VCV003148591.1), dbSNP rs2149790134, ClinGen allele CA2825001327.